The following is an entry in ClinVar:

ClinVar aggregate classification (germline): Pathogenic (1 of 4 stars; one submission).

Conditions:
Hypertrophic cardiomyopathy 26. Also called: Cardiomyopathy, familial hypertrophic, 26. Identifiers: Orphanet 75249, MedGen C4310749, MONDO:0014883, OMIM 617047.
Myofibrillar myopathy 5. Also called: Filaminopathy (type); FILAMINOPATHY, AUTOSOMAL DOMINANT. Identifiers: Orphanet 171445, MedGen C1836050, MONDO:0012289, OMIM 609524.
Distal myopathy with posterior leg and anterior hand involvement. Also called: WILLIAMS DISTAL MYOPATHY. Identifiers: Orphanet 63273, MedGen C3279722, MONDO:0013550, OMIM 614065.

Submission:

Labcorp Genetics (formerly Invitae), Labcorp
Classification: Pathogenic for Distal myopathy with posterior leg and anterior hand involvement; Myofibrillar myopathy 5; Hypertrophic cardiomyopathy 26. Last evaluated: 2026-01-26. Review status: criteria provided, single submitter. Criteria: Invitae Variant Classification Sherloc (09022015). Collection method: clinical testing. Allele origin: germline.
Comment: This sequence change creates a premature translational stop signal (p.Pro2035Alafs*3) in the FLNC gene. It is expected to result in an absent or disrupted protein product. Loss-of-function variants in FLNC are known to be pathogenic (PMID: 27908349). This variant is not present in population databases (gnomAD no frequency). This variant has not been reported in the literature in individuals affected with FLNC-related conditions. For these reasons, this variant has been classified as Pathogenic.

Literature cited by the submitters: PubMed 27908349.

NM_001458.5(FLNC):c.6098dup (p.Pro2035fs)

Genes: FLNC-AS1 (FLNC antisense RNA 1; minus strand), FLNC (filamin C; plus strand). Cytogenetic location: 7q32.1.
Variant type: Duplication.
Coding change: c.6098dup on transcript NM_001458.5 (MANE Select); coding-DNA position 6098, one base duplicated (T; older notation c.6098dupT).
Protein change: p.Pro2035fs; shifts the reading frame from proline 2035.
Molecular consequence: frameshift variant.
Genome position (GRCh38, 1-based): chr7:128,852,921, T duplicated. VCF-style (leftmost placement, unchanged base first): chr7-128852920-G-GT. GRCh37 (hg19) VCF-style: chr7-128492974-G-GT.
Other names: c.5999dup, p.Pro2002fs (NM_001127487.2); short protein forms P2002fs, P2035fs.
Identifiers: ClinVar variation 4812582 (VCV004812582.1).
Genomic context (GRCh38, chr7:128,852,920, plus strand): 5'-CACGTGGTGAGCGTGCGCAAGAGTGGCAAGCATGTCACCAACAGCCCCTTCAAGATCCTG[G>GT]TGGGGCCATCTGAGATCGGGGACGCCAGCAAGGTGCGGGTCTGGGGCAAGGGGCTTTCCG-3'